The following is an entry in ClinVar:

NM_000260.4(MYO7A):c.1194C>T (p.Phe398=)

Gene: MYO7A (myosin VIIA; plus strand). Cytogenetic location: 11q13.5.
Variant type: single nucleotide variant.
Coding change: c.1194C>T on transcript NM_000260.4 (MANE Select); coding-DNA position 1194, C replaced by T.
Protein change: p.Phe398=; no amino-acid change (phenylalanine 398 retained).
Molecular consequence: synonymous variant.
Genome position (GRCh38, 1-based): chr11:77,160,276, C>T. VCF-style: chr11-77160276-C-T. GRCh37 (hg19) VCF-style: chr11-76871322-C-T.
Other names: c.1194C>T, p.Phe398= (NM_001127180.2); c.1161C>T, p.Phe387= (NM_001369365.1); c.1194C>T (NM_000260.3).
Identifiers: ClinVar variation 1544372 (VCV001544372.10), dbSNP rs1347045882, ClinGen allele CA475793290.

ClinVar aggregate classification (germline): Likely benign. Review status: criteria provided, multiple submitters, no conflicts (2 of 4 stars). 3 submissions from 3 submitters: Likely benign (3). Last evaluated 2026-06-28.

Conditions:
MYO7A-related disorder. Also called: MYO7A-related disorders.

Allele frequency attached by ClinVar (database versions not stated): gnomAD 0.00001; TOPMed 0.00001.
gnomAD v4.1: 26 of 1,561,492 alleles (0.0017%); highest among the groups gnomAD compares: African/African-American, 0.0054%; no homozygotes.

Submissions (3):

PreventionGenetics, part of Exact Sciences
Classification: Likely benign for MYO7A-related condition. Last evaluated: 2026-06-28. Review status: criteria provided, single submitter. Criteria: ACMG Guidelines, 2015. Collection method: clinical testing. Allele origin: germline.
Comment: This variant is classified as likely benign based on ACMG/AMP sequence variant interpretation guidelines (Richards et al. 2015 PMID: 25741868, with internal and published modifications).

Labcorp Genetics (formerly Invitae), Labcorp
Classification: Likely benign. Last evaluated: 2025-06-15. Review status: criteria provided, single submitter. Criteria: Invitae Variant Classification Sherloc (09022015). Collection method: clinical testing. Allele origin: germline.

Blueprint Genetics
Classification: Likely benign. Last evaluated: 2022-07-18. Review status: criteria provided, single submitter. Criteria: ACMG Guidelines, 2015. Collection method: clinical testing. Allele origin: germline.